The following is an entry in ClinVar:

NM_000059.4(BRCA2):c.2818C>G (p.Gln940Glu)

Gene: BRCA2 (BRCA2 DNA repair associated; plus strand). Cytogenetic location: 13q13.1.
Variant type: single nucleotide variant.
Coding change: c.2818C>G on transcript NM_000059.4 (MANE Select); coding-DNA position 2818, C replaced by G.
Protein change: p.Gln940Glu; replaces glutamine 940 with glutamic acid.
Molecular consequence: missense variant.
Genome position (GRCh38, 1-based): chr13:32,337,173, C>G. VCF-style: chr13-32337173-C-G. GRCh37 (hg19) VCF-style: chr13-32911310-C-G.
Other names: short protein forms Q940E.
Identifiers: ClinVar variation 1513969 (VCV001513969.9), dbSNP rs80358532, ClinGen allele CA387773780.

ClinVar aggregate classification (germline): Conflicting classifications of pathogenicity. Review status: criteria provided, conflicting classifications (1 of 4 stars). 2 submissions from 2 submitters: Uncertain significance (1); Likely benign (1). Last evaluated 2023-03-23.

Conditions:
Hereditary cancer-predisposing syndrome. Also called: Tumor predisposition; Neoplastic Syndromes, Hereditary; Hereditary neoplastic syndrome; Hereditary Cancer Syndrome. Identifiers: Orphanet 140162, MedGen C0027672, MeSH D009386, MONDO:0015356.
Hereditary breast ovarian cancer syndrome. Also called: Hereditary breast and/or ovarian cancer syndrome; Breast and ovarian cancer; Hereditary breast and ovarian cancer; BRCA1- and BRCA2-Associated Hereditary Breast and Ovarian Cancer; Hereditary breast and ovarian cancer syndrome; Hereditary breast and ovarian cancer syndrome (HBOC). Identifiers: Orphanet 145, MedGen C0677776, MeSH D061325, MONDO:0003582. Disease mechanism: loss of function.

gnomAD v4.1: 1 of 1,613,580 alleles (0.000062%); highest among the groups gnomAD compares: Non-Finnish European, 0.000085%; no homozygotes.

Submissions (2):

University of Washington Department of Laboratory Medicine, University of Washington
Classification: Likely benign for Hereditary cancer-predisposing syndrome. Last evaluated: 2023-03-23. Review status: criteria provided, single submitter. Criteria: Dines et al. (Genet Med. 2020). Collection method: curation. Allele origin: germline.
Comment: Missense variant in a coldspot region where missense variants are very unlikely to be pathogenic (PMID:31911673).

BRCA2 exon 11 coldspot. Reclassification based on statistical prior probability.

Labcorp Genetics (formerly Invitae), Labcorp
Classification: Uncertain significance for Hereditary breast ovarian cancer syndrome. Last evaluated: 2021-01-02. Review status: criteria provided, single submitter. Criteria: Invitae Variant Classification Sherloc (09022015). Collection method: clinical testing. Allele origin: germline.
Comment: In summary, the available evidence is currently insufficient to determine the role of this variant in disease. Therefore, it has been classified as a Variant of Uncertain Significance. Advanced modeling of protein sequence and biophysical properties (such as structural, functional, and spatial information, amino acid conservation, physicochemical variation, residue mobility, and thermodynamic stability) performed at Invitae indicates that this missense variant is not expected to disrupt BRCA2 protein function. This variant has not been reported in the literature in individuals with BRCA2-related conditions. This variant is not present in population databases (ExAC no frequency). This sequence change replaces glutamine with glutamic acid at codon 940 of the BRCA2 protein (p.Gln940Glu). The glutamine residue is weakly conserved and there is a small physicochemical difference between glutamine and glutamic acid.